The following is an entry in ClinVar:

NM_016008.4(DYNC2LI1):c.127-2A>C

Gene: DYNC2LI1 (dynein cytoplasmic 2 light intermediate chain 1; plus strand). Cytogenetic location: 2p21.
Variant type: single nucleotide variant.
Coding change: c.127-2A>C on transcript NM_016008.4 (MANE Select); the canonical splice acceptor site of the intron before coding-DNA position 127, A replaced by C.
Molecular consequence: splice acceptor variant.
Genome position (GRCh38, 1-based): chr2:43,783,518, A>C. VCF-style: chr2-43783518-A-C. GRCh37 (hg19) VCF-style: chr2-44010657-A-C.
Other names: c.127-2A>C (NM_001348913.2, NM_001348912.2, NM_001193464.2 and 1 more transcripts).
Identifiers: ClinVar variation 1477816 (VCV001477816.8), dbSNP rs148986857, ClinGen allele CA1635689.
Genomic context (GRCh38, chr2:43,783,518, plus strand): 5'-AATAATACAATTTTTACATATGAGTGACATTAACGCAGTGTTCCTTCTTTTTTAATTTCC[A>C]GGGAAAGACTACTATTATTCTAAGGTGTCTTGACAGGTAAGTGTTATGTTAACCTTTAAA-3'

ClinVar aggregate classification (germline): Likely pathogenic (1 of 4 stars; one submission).

Allele frequency attached by ClinVar (database versions not stated): gnomAD 0.00001; gnomAD exomes 0.00001; ExAC 0.00002; TOPMed 0.00003; ESP Exome Variant Server 0.00008.
gnomAD v4.1: 3 of 1,531,342 alleles (0.0002%); highest among the groups gnomAD compares: African/African-American, 0.0043%; no homozygotes.

Submission:

Labcorp Genetics (formerly Invitae), Labcorp
Classification: Likely pathogenic. Last evaluated: 2021-05-19. Review status: criteria provided, single submitter. Criteria: Invitae Variant Classification Sherloc (09022015). Collection method: clinical testing. Allele origin: germline.
Comment: Algorithms developed to predict the effect of sequence changes on RNA splicing suggest that this variant may disrupt the consensus splice site, but this prediction has not been confirmed by published transcriptional studies. In summary, the currently available evidence indicates that the variant is pathogenic, but additional data are needed to prove that conclusively. Therefore, this variant has been classified as Likely Pathogenic. This variant has not been reported in the literature in individuals with DYNC2LI1-related conditions. This variant is present in population databases (rs148986857, ExAC 0.02%). This sequence change affects an acceptor splice site in intron 2 of the DYNC2LI1 gene. It is expected to disrupt RNA splicing. Variants that disrupt the donor or acceptor splice site typically lead to a loss of protein function (PMID: 16199547), and loss-of-function variants in DYNC2LI1 are known to be pathogenic (PMID: 26077881, 26130459).

Literature cited by the submitters: PubMed 16199547; PubMed 26077881; PubMed 26130459.